The following is an entry in ClinVar:

NM_000203.5(IDUA):c.187C>T (p.Gln63Ter)

Genes: IDUA (alpha-L-iduronidase; plus strand), SLC26A1 (solute carrier family 26 member 1; minus strand). Cytogenetic location: 4p16.3.
Variant type: single nucleotide variant.
Coding change: c.187C>T on transcript NM_000203.5 (MANE Select); coding-DNA position 187, C replaced by T.
Protein change: p.Gln63Ter; replaces glutamine 63 with a stop codon.
Molecular consequence: nonsense. On other transcripts: 3 prime UTR variant (2), non-coding transcript variant (1), intron variant (1).
Genome position (GRCh38, 1-based): chr4:987,837, C>T. VCF-style: chr4-987837-C-T. GRCh37 (hg19) VCF-style: chr4-981625-C-T.
Other names: p.Gln63Ter; NM_000203.5(IDUA):c.187C>T; c.*996G>A (NM_022042.4, NM_213613.4); c.576+3291G>A (NM_134425.4); short protein forms Q63*.
Identifiers: ClinVar variation 1076378 (VCV001076378.10), dbSNP rs2153015621, ClinGen allele CA355946148.

ClinVar aggregate classification (germline): Pathogenic. Review status: reviewed by expert panel (3 of 4 stars). 3 submissions from 3 submitters: Pathogenic (1). 2 of the submissions do not count toward it. Last evaluated 2026-01-27.

Conditions:
Hurler syndrome. Also called: MUCOPOLYSACCHARIDOSIS TYPE IH; Severe MPS I (Hurler Syndrome); Gargoylism, Hurler Syndrome. Identifiers: Orphanet 93473, MedGen C0086795, MONDO:0011758, OMIM 607014.
Mucopolysaccharidosis type 1. Also called: IDUA deficiency; MPS I; Mucopolysaccharidosis Type I. Identifiers: Orphanet 579, MedGen C0023786, MONDO:0001586.

Submissions (3):

ClinGen Lysosomal Storage Disorder Variant Curation Expert Panel
Classification: Pathogenic for Mucopolysaccharidosis type 1. Last evaluated: 2026-01-27. Review status: reviewed by expert panel. Criteria: ClinGen LSD ACMG Specifications IDUA V1.2.0. Collection method: curation. Allele origin: germline. Inheritance: Autosomal recessive inheritance.
Comment: The NM_000203.5:c.187C>T (p.Gln63Ter) in IDUA is a nonsense variant predicted to cause a premature stop codon in biologically-relevant-exon 2 out of 14, leading to nonsense mediated decay in a gene in which loss-of-function is an established disease mechanism (PVS1). Eight patients of Turkish origin with this variant were reported to have severe MPS I. All had laboratory values showing deficient IDUA activity in either leukocytes or dried blood spots. No further details are available (PMID: 9787109, 35141277) (insufficient evidence for PP4). This variant was reported to be the most common variant in patients from this ethnic group, accounting for 77.7% (14/18) of alleles. Six of these patients, assumed not closely related, but all from the same ethnic group, were homozygous for the variant (max 2 x 0.5 points) (PMID: 35141277). Two individuals, also of Turkish origin, were compound heterozygous for the variant and another variant in IDUA. The second variant was either c.1A>C, which is pathogenic based on classification by the ClinGen VCEP, phase unknown (0.5 points), or a variant labeled as c.1030C>G in one publication (PMID: 35141277) (there is no C at this position) and p.Tyr343Ter in a former publication (PMID: 9787109). Due to questions about the correct nomenclature for this variant, this patient will not be included. Total 1.5 points (PM3). This variant is absent from gnomAD v4.1.0. (PM2_Supporting). There is a ClinVar entry for this variant (Variation ID: 1076378). In summary, this variant meets the criteria to be classified as pathogenic for mucopolysaccharidosis type I. IDUA-specific ACMG/AMP criteria applied, as specified by the ClinGen Lysosomal Diseases Variant Curation Expert Panel (Specifications Version 1.2.0): PVS1, PM3, PM2_Supporting. (Classification approved by the ClinGen Lysosomal Diseases Variant Curation Expert Panel on January 27, 2026 )

Foundation for Research in Genetics and Endocrinology, FRIGE's Institute of Human Genetics
Classification: Pathogenic for Hurler syndrome. Last evaluated: 2023-06-24. Review status: criteria provided, single submitter. Criteria: ACMG Guidelines, 2015. Collection method: clinical testing. Allele origin: germline. Inheritance: Autosomal recessive inheritance. Affected: yes. Observed: 1 compound heterozygote. Not counted in ClinVar's aggregate classification.
Comment: A heterozygous nonsense variant in exon 2 of the GALNS gene that results in a stop codon and premature truncation of the protein at codon 63 (p.Gln63Ter) was detected. This variant has not been reported in the 1000 genomes and in the gnomAD database. The in-silico predictions of the variant is damaging by MutationTaster2 and DANN. In summary the variant meets our criteria to be classified as pathogenic.

Labcorp Genetics (formerly Invitae), Labcorp
Classification: Pathogenic for Mucopolysaccharidosis type 1. Last evaluated: 2022-05-05. Review status: criteria provided, single submitter. Criteria: Invitae Variant Classification Sherloc (09022015). Collection method: clinical testing. Allele origin: germline. Not counted in ClinVar's aggregate classification.
Comment: This variant is not present in population databases (gnomAD no frequency). For these reasons, this variant has been classified as Pathogenic. ClinVar contains an entry for this variant (Variation ID: 1076378). This premature translational stop signal has been observed in individual(s) with mucopolysaccharidosis type I (PMID: 9787109). This sequence change creates a premature translational stop signal (p.Gln63*) in the IDUA gene. It is expected to result in an absent or disrupted protein product. Loss-of-function variants in IDUA are known to be pathogenic (PMID: 11735025, 21480867).

Literature cited by the submitters: PubMed 9787109 (cited by Labcorp Genetics (formerly Invitae), Labcorp); PubMed 11735025 (cited by Labcorp Genetics (formerly Invitae), Labcorp); PubMed 21480867 (cited by Labcorp Genetics (formerly Invitae), Labcorp).